The following is an entry in ClinVar:

ClinVar aggregate classification (germline): Uncertain significance (0 of 4 stars; one submission).

Conditions:
TRAPPC9-related disorder. Also called: TRAPPC9-related condition.

gnomAD v4.1: 22 of 1,614,056 alleles (0.0014%); highest among the groups gnomAD compares: Admixed American, 0.0067%; no homozygotes.

Submission:

PreventionGenetics, part of Exact Sciences
Classification: Uncertain significance for TRAPPC9-related condition. Last evaluated: 2024-04-23. Review status: no assertion criteria provided. Collection method: clinical testing. Allele origin: germline.
Comment: The TRAPPC9 c.2047C>T variant is predicted to result in the amino acid substitution p.Arg683Trp. To our knowledge, this variant has not been reported in the literature. This variant is reported in 0.0099% of alleles in individuals of Ashkenazi Jewish descent in gnomAD. At this time, the clinical significance of this variant is uncertain due to the absence of conclusive functional and genetic evidence.

NM_001160372.4(TRAPPC9):c.1753C>T (p.Arg585Trp)

Gene: TRAPPC9 (trafficking protein particle complex subunit 9; minus strand). Cytogenetic location: 8q24.3.
Variant type: single nucleotide variant.
Coding change: c.1753C>T on transcript NM_001160372.4 (MANE Select); coding-DNA position 1753, C replaced by T.
Protein change: p.Arg585Trp; replaces arginine 585 with tryptophan.
Molecular consequence: missense variant. On other transcripts: non-coding transcript variant (1).
Genome position (GRCh38, 1-based): chr8:140,300,484, G>A on the plus strand (C>T on the coding strand, the complement: TRAPPC9 is on the minus strand). VCF-style: chr8-140300484-G-A. GRCh37 (hg19) VCF-style: chr8-141310583-G-A.
Other names: c.1726C>T, p.Arg576Trp (NM_001321646.2); c.1774C>T, p.Arg592Trp (NM_001374682.1); c.1753C>T, p.Arg585Trp (NM_001374683.1, NM_031466.8); c.1609C>T, p.Arg537Trp (NM_001374684.1); short protein forms R537W, R576W, R585W, R592W.
Identifiers: ClinVar variation 3358698 (VCV003358698.1).